The following is an entry in ClinVar:

NM_013314.4(BLNK):c.616_618del (p.Val206del)

Gene: BLNK (B cell linker; minus strand). Cytogenetic location: 10q24.1.
Variant type: Deletion.
Coding change: c.616_618del on transcript NM_013314.4 (MANE Select); coding-DNA positions 616 to 618, 3 bases deleted (GTG; older notation c.616_618delGTG).
Protein change: p.Val206del; deletes valine 206.
Molecular consequence: inframe deletion. On other transcripts: non-coding transcript variant (1), intron variant (3).
Genome position (GRCh38, 1-based): chr10:96,215,379-96,215,381, CAC deleted on the plus strand (GTG on the coding strand, the reverse complement: BLNK is on the minus strand); deleting any 3 consecutive bases within chr10:96,215,379-96,215,383 gives the same sequence; the c. name uses the placement nearest the transcript's 3' end. VCF-style (leftmost placement, unchanged base first): chr10-96215378-TCAC-T. GRCh37 (hg19) VCF-style: chr10-97975134-TCAC-T.
Other names: c.616_618del, p.Val206del (NM_001258440.2); c.350-49_350-47del (NM_001258442.2); c.607+1272_607+1274del (NM_001258441.2, NM_001114094.2); short protein forms V206del.
Identifiers: ClinVar variation 2123872 (VCV002123872.4), dbSNP rs2492884251, ClinGen allele CA2580082523.

ClinVar aggregate classification (germline): Uncertain significance (1 of 4 stars; one submission).

Conditions:
Agammaglobulinemia 4, autosomal recessive (AGM4). Also called: B cell linker protein deficiency; AGAMMAGLOBULINEMIA, AUTOSOMAL RECESSIVE, DUE TO BLNK DEFECT. Identifiers: MedGen C3150752, MONDO:0013289, OMIM 613502.

Submission:

Labcorp Genetics (formerly Invitae), Labcorp
Classification: Uncertain significance for Agammaglobulinemia 4, autosomal recessive. Last evaluated: 2022-04-09. Review status: criteria provided, single submitter. Criteria: Invitae Variant Classification Sherloc (09022015). Collection method: clinical testing. Allele origin: germline.
Comment: This variant has not been reported in the literature in individuals affected with BLNK-related conditions. This variant, c.616_618del, results in the deletion of 1 amino acid(s) of the BLNK protein (p.Val206del), but otherwise preserves the integrity of the reading frame. This variant is not present in population databases (gnomAD no frequency). Experimental studies and prediction algorithms are not available or were not evaluated, and the functional significance of this variant is currently unknown. Algorithms developed to predict the effect of sequence changes on RNA splicing suggest that this variant may disrupt the consensus splice site. In summary, the available evidence is currently insufficient to determine the role of this variant in disease. Therefore, it has been classified as a Variant of Uncertain Significance.